The following is an entry in ClinVar:

ClinVar aggregate classification (germline): Uncertain significance. Review status: criteria provided, multiple submitters, no conflicts (2 of 4 stars). 2 submissions from 2 submitters: Uncertain significance (2). Last evaluated 2025-02-14.

Conditions:
RASopathy. Also called: rasopathies; Noonan spectrum disorder. Identifiers: Orphanet 536391, MedGen C5555857, MONDO:0021060.
Cardiovascular phenotype. Identifiers: MedGen CN230736.

Allele frequency attached by ClinVar (database versions not stated): gnomAD exomes below 0.00001.
gnomAD v4.1: 1 of 1,608,954 alleles (0.000062%); highest among the groups gnomAD compares: Admixed American, 0.0017%; no homozygotes.

Submissions (2):

Ambry Genetics
Classification: Uncertain significance for Cardiovascular phenotype. Last evaluated: 2025-02-14. Review status: criteria provided, single submitter. Criteria: Ambry Variant Classification Scheme 2023. Collection method: clinical testing. Allele origin: germline.
Comment: The p.Q245E variant (also known as c.733C>G), located in coding exon 6 of the PTPN11 gene, results from a C to G substitution at nucleotide position 733. The glutamine at codon 245 is replaced by glutamic acid, an amino acid with highly similar properties. This amino acid position is conserved. In addition, this alteration is predicted to be deleterious by in silico analysis. Based on the available evidence, the clinical significance of this variant remains unclear.

Labcorp Genetics (formerly Invitae), Labcorp
Classification: Uncertain significance for RASopathy. Last evaluated: 2025-02-10. Review status: criteria provided, single submitter. Criteria: Invitae Variant Classification Sherloc (09022015). Collection method: clinical testing. Allele origin: germline.
Comment: This sequence change replaces glutamine, which is neutral and polar, with glutamic acid, which is acidic and polar, at codon 245 of the PTPN11 protein (p.Gln245Glu). This variant is not present in population databases (gnomAD no frequency). This variant has not been reported in the literature in individuals affected with PTPN11-related conditions. ClinVar contains an entry for this variant (Variation ID: 1017354). Invitae Evidence Modeling of protein sequence and biophysical properties (such as structural, functional, and spatial information, amino acid conservation, physicochemical variation, residue mobility, and thermodynamic stability) indicates that this missense variant is not expected to disrupt PTPN11 protein function with a negative predictive value of 80%. In summary, the available evidence is currently insufficient to determine the role of this variant in disease. Therefore, it has been classified as a Variant of Uncertain Significance.

NM_002834.5(PTPN11):c.733C>G (p.Gln245Glu)

Gene: PTPN11 (protein tyrosine phosphatase non-receptor type 11; plus strand). Cytogenetic location: 12q24.13.
Variant type: single nucleotide variant.
Coding change: c.733C>G on transcript NM_002834.5 (MANE Select); coding-DNA position 733, C replaced by G.
Protein change: p.Gln245Glu; replaces glutamine 245 with glutamic acid.
Molecular consequence: missense variant.
Genome position (GRCh38, 1-based): chr12:112,456,040, C>G. VCF-style: chr12-112456040-C-G. GRCh37 (hg19) VCF-style: chr12-112893844-C-G.
Other names: c.733C>G, p.Gln245Glu (NM_001330437.2, NM_080601.3); c.730C>G, p.Gln244Glu (NM_001374625.1); c.733C>G (NM_002834.3); short protein forms Q244E, Q245E.
Identifiers: ClinVar variation 1017354 (VCV001017354.9), dbSNP rs2038155027, ClinGen allele CA386784803.